The following is an entry in ClinVar:

ClinVar aggregate classification (germline): Uncertain significance (1 of 4 stars; one submission).

Conditions:
Combined immunodeficiency due to LRBA deficiency. Also called: Common variable immunodeficiency 8, with autoimmunity. Identifiers: Orphanet 445018, MedGen C3553512, MONDO:0013863, OMIM 614700.

Allele frequency attached by ClinVar (database versions not stated): ExAC 0.00002.
gnomAD v4.1: 7 of 1,614,094 alleles (0.00043%); highest among the groups gnomAD compares: Non-Finnish European, 0.00051%; no homozygotes.

Submission:

Labcorp Genetics (formerly Invitae), Labcorp
Classification: Uncertain significance for Combined immunodeficiency due to LRBA deficiency. Last evaluated: 2023-01-03. Review status: criteria provided, single submitter. Criteria: Invitae Variant Classification Sherloc (09022015). Collection method: clinical testing. Allele origin: germline.
Comment: In summary, the available evidence is currently insufficient to determine the role of this variant in disease. Therefore, it has been classified as a Variant of Uncertain Significance. Algorithms developed to predict the effect of missense changes on protein structure and function (SIFT, PolyPhen-2, Align-GVGD) all suggest that this variant is likely to be tolerated. This variant has not been reported in the literature in individuals affected with LRBA-related conditions. This variant is present in population databases (rs755507503, gnomAD 0.002%). This sequence change replaces alanine, which is neutral and non-polar, with threonine, which is neutral and polar, at codon 1626 of the LRBA protein (p.Ala1626Thr).

NM_001364905.1(LRBA):c.4876G>A (p.Ala1626Thr)

Gene: LRBA (LPS responsive beige-like anchor protein; minus strand). Cytogenetic location: 4q31.3.
Variant type: single nucleotide variant.
Coding change: c.4876G>A on transcript NM_001364905.1 (MANE Select); coding-DNA position 4876, G replaced by A.
Protein change: p.Ala1626Thr; replaces alanine 1626 with threonine.
Molecular consequence: missense variant.
Genome position (GRCh38, 1-based): chr4:150,828,475, C>T on the plus strand (G>A on the coding strand, the complement: LRBA is on the minus strand). VCF-style: chr4-150828475-C-T. GRCh37 (hg19) VCF-style: chr4-151749627-C-T.
Other names: c.4876G>A, p.Ala1626Thr (NM_006726.5, NM_001199282.3, NM_001367550.1); short protein forms A1626T.
Identifiers: ClinVar variation 2978394 (VCV002978394.3), dbSNP rs755507503, ClinGen allele CA3102629.